The following is an entry in ClinVar:

ClinVar aggregate classification (germline): Pathogenic/Likely pathogenic. Review status: criteria provided, multiple submitters, no conflicts (2 of 4 stars). 6 submissions from 6 submitters: Pathogenic (3); Likely pathogenic (1). 2 of the submissions do not count toward it. Last evaluated 2023-09-04.

Conditions:
Neuronopathy, distal hereditary motor, autosomal dominant. Also called: Autosomal dominant distal hereditary motor neuropathy. Identifiers: Orphanet 140465, MedGen C5548212, MONDO:0015362.
Autosomal recessive distal spinal muscular atrophy 1. Also called: HMN VI; NEURONOPATHY, SEVERE INFANTILE AXONAL, WITH RESPIRATORY FAILURE; SEVERE INFANTILE AXONAL NEUROPATHY WITH RESPIRATORY FAILURE; SPINAL MUSCULAR ATROPHY, DIAPHRAGMATIC; Spinal muscular atrophy with respiratory distress 1; NEURONOPATHY, DISTAL HEREDITARY MOTOR, HARDING TYPE VI. Identifiers: Orphanet 98920, MedGen C1858517, MONDO:0011436, OMIM 604320.
Charcot-Marie-Tooth disease axonal type 2S. Also called: CHARCOT-MARIE-TOOTH DISEASE, AXONAL, AUTOSOMAL RECESSIVE, TYPE 2S; CHARCOT-MARIE-TOOTH NEUROPATHY, TYPE 2S. Identifiers: Orphanet 443073, MedGen C4015349, MONDO:0014511, OMIM 616155.

gnomAD v4.1: 1 of 1,613,410 alleles (0.000062%); highest among the groups gnomAD compares: Non-Finnish European, 0.000085%; no homozygotes.

Submissions (6):

Kariminejad - Najmabadi Pathology & Genetics Center
Classification: Pathogenic for Charcot-Marie-Tooth disease axonal type 2S. Last evaluated: 2023-09-04. Review status: criteria provided, single submitter. Criteria: ACMG Guidelines, 2015. Collection method: clinical testing. Allele origin: germline. Inheritance: Autosomal recessive inheritance. Affected: yes. Observed: 2 variant alleles.
Comment: PVS1(Very Strong),PM2,PP5

3billion
Classification: Pathogenic for Charcot-Marie-Tooth disease axonal type 2S. Last evaluated: 2023-08-07. Review status: criteria provided, single submitter. Criteria: ACMG Guidelines, 2015. Collection method: clinical testing. Allele origin: germline. Affected: yes.
Comment: The variant is not observed in the gnomAD v2.1.1 dataset. Predicted Consequence/Location: Canonical splice site: predicted to alter splicing and result in a loss or disruption of normal protein function. Multiple pathogenic loss-of-function variants are reported downstream of the variant. The variant has been reported at least twice as pathogenic without evidence for the classification (ClinVar ID: VCV000204303 /PMID: 23566544). Therefore, this variant is classified as Pathogenic according to the recommendation of ACMG/AMP guideline.

Labcorp Genetics (formerly Invitae), Labcorp
Classification: Pathogenic for Autosomal recessive distal spinal muscular atrophy 1; Charcot-Marie-Tooth disease axonal type 2S. Last evaluated: 2023-06-02. Review status: criteria provided, single submitter. Criteria: Invitae Variant Classification Sherloc (09022015). Collection method: clinical testing. Allele origin: germline.
Comment: ClinVar contains an entry for this variant (Variation ID: 204303). Disruption of this splice site has been observed in individuals with clinical features of distal hereditary motor neuropathy (PMID: 23566544, 25568292). This variant is not present in population databases (gnomAD no frequency). This sequence change affects a donor splice site in intron 3 of the IGHMBP2 gene. It is expected to disrupt RNA splicing. Variants that disrupt the donor or acceptor splice site typically lead to a loss of protein function (PMID: 16199547), and loss-of-function variants in IGHMBP2 are known to be pathogenic (PMID: 14681881, 25439726, 25568292). Algorithms developed to predict the effect of sequence changes on RNA splicing suggest that this variant may disrupt the consensus splice site. For these reasons, this variant has been classified as Pathogenic.

Department of Medical Genetics, Oslo University Hospital
Classification: Likely pathogenic for Charcot-Marie-Tooth disease axonal type 2S. Last evaluated: 2015-10-21. Review status: criteria provided, single submitter. Criteria: Pedurupillay CR et al. (Neuromuscul Disord. 2016). Collection method: research. Allele origin: germline. Inheritance: Autosomal recessive inheritance. Affected: yes. Observed: 1 homozygote. Segregation with disease observed.

OMIM
Classification: Pathogenic for CHARCOT-MARIE-TOOTH DISEASE, AXONAL, TYPE 2S. Last evaluated: 2015-02-03. Review status: no assertion criteria provided. Collection method: literature only. Allele origin: germline. Not counted in ClinVar's aggregate classification.

Inherited Neuropathy Consortium
Classification: Uncertain significance for Autosomal dominant distal hereditary motor neuropathy. Review status: no assertion criteria provided. Collection method: literature only. Allele origin: germline. Affected: yes. Not counted in ClinVar's aggregate classification.

Literature cited by the submitters: PubMed 23566544 (cited by 3 submitters); PubMed 25568292 (cited by Labcorp Genetics (formerly Invitae), Labcorp and OMIM); PubMed 16199547 (cited by Labcorp Genetics (formerly Invitae), Labcorp); PubMed 14681881 (cited by Labcorp Genetics (formerly Invitae), Labcorp); PubMed 25439726 (cited by Labcorp Genetics (formerly Invitae), Labcorp).

NM_002180.3(IGHMBP2):c.449+1G>T

Gene: IGHMBP2 (immunoglobulin mu DNA binding protein 2; plus strand). Cytogenetic location: 11q13.3.
Variant type: single nucleotide variant.
Coding change: c.449+1G>T on transcript NM_002180.3 (MANE Select); the canonical splice donor site of the intron after coding-DNA position 449, G replaced by T.
Molecular consequence: splice donor variant.
Genome position (GRCh38, 1-based): chr11:68,908,338, G>T. VCF-style: chr11-68908338-G-T. GRCh37 (hg19) VCF-style: chr11-68675806-G-T.
Other names: IVS3DS, G-T, +1.
Identifiers: ClinVar variation 204303 (VCV000204303.34), dbSNP rs797044802, ClinGen allele CA347307.